The following is an entry in ClinVar:

NM_000512.5(GALNS):c.1401_1422dup (p.His475fs)

Genes: GALNS (galactosamine (N-acetyl)-6-sulfatase; minus strand), LOC126862447 (CDK7 strongly-dependent group 2 enhancer GRCh37_chr16:88884193-88885392; plus strand). Cytogenetic location: 16q24.3.
Variant type: Duplication.
Coding change: c.1401_1422dup on transcript NM_000512.5 (MANE Select); coding-DNA positions 1401 to 1422, 22 bases duplicated (GATCACCTCGGTCGTCCAGCAG).
Protein change: p.His475fs; shifts the reading frame from histidine 475.
Molecular consequence: frameshift variant.
Genome position (GRCh38, 1-based): chr16:88,818,067-88,818,088, CTGCTGGACGACCGAGGTGATC duplicated on the plus strand (GATCACCTCGGTCGTCCAGCAG on the coding strand, the reverse complement: GALNS is on the minus strand); duplicating any 22 consecutive bases within chr16:88,818,067-88,818,094 gives the same sequence; the c. name uses the placement nearest the transcript's 3' end. VCF-style (leftmost placement, unchanged base first): chr16-88818066-G-GCTGCTGGACGACCGAGGTGATC. GRCh37 (hg19) VCF-style: chr16-88884474-G-GCTGCTGGACGACCGAGGTGATC.
Other names: c.846_867dup, p.His290fs (NM_001323543.2); c.1419_1440dup, p.His481fs (NM_001323544.2); short protein forms H290fs, H475fs, H481fs.
Identifiers: ClinVar variation 2695017 (VCV002695017.3), dbSNP rs2508366215, ClinGen allele CA2697556013.

ClinVar aggregate classification (germline): Pathogenic (1 of 4 stars; one submission).

Conditions:
Mucopolysaccharidosis, MPS-IV-A (MPS4A). Also called: Morquio syndrome A, mild; MORQUIO SYNDROME A; GALACTOSAMINE-6-SULFATASE DEFICIENCY; GALNS DEFICIENCY; MORQUIO A DISEASE; mucopolysaccharidosis type 4A. Identifiers: Orphanet 309297, Orphanet 582, MedGen C0086651, MONDO:0009659, OMIM 253000.

Submission:

Labcorp Genetics (formerly Invitae), Labcorp
Classification: Pathogenic for Mucopolysaccharidosis, MPS-IV-A. Last evaluated: 2023-11-10. Review status: criteria provided, single submitter. Criteria: Invitae Variant Classification Sherloc (09022015). Collection method: clinical testing. Allele origin: germline.
Comment: This sequence change creates a premature translational stop signal (p.His475Aspfs*35) in the GALNS gene. While this is not anticipated to result in nonsense mediated decay, it is expected to disrupt the last 48 amino acid(s) of the GALNS protein. This variant is not present in population databases (gnomAD no frequency). This variant has not been reported in the literature in individuals affected with GALNS-related conditions. This variant disrupts a region of the GALNS protein in which other variant(s) (p.Trp520Arg) have been determined to be pathogenic (PMID: 34387910, 34472180). This suggests that this is a clinically significant region of the protein, and that variants that disrupt it are likely to be disease-causing. For these reasons, this variant has been classified as Pathogenic.

Literature cited by the submitters: PubMed 34387910; PubMed 34472180.